The following is an entry in ClinVar:

NM_004183.4(BEST1):c.1529A>G (p.Lys510Arg)

Gene: BEST1 (bestrophin 1; plus strand). Cytogenetic location: 11q12.3.
Variant type: single nucleotide variant.
Coding change: c.1529A>G on transcript NM_004183.4 (MANE Select); coding-DNA position 1529, A replaced by G.
Protein change: p.Lys510Arg; replaces lysine 510 with arginine.
Molecular consequence: missense variant. On other transcripts: non-coding transcript variant (1).
Genome position (GRCh38, 1-based): chr11:61,962,683, A>G. VCF-style: chr11-61962683-A-G. GRCh37 (hg19) VCF-style: chr11-61730155-A-G.
Other names: c.1349A>G, p.Lys450Arg (NM_001139443.3, NM_001300787.2); c.1268A>G, p.Lys423Arg (NM_001300786.2); c.1211A>G, p.Lys404Arg (NM_001363591.3); c.*424A>G (NM_001363592.2); c.557A>G, p.Lys186Arg (NM_001363593.3); c.1529A>G (NM_004183.3); short protein forms K186R, K404R, K423R, K450R, K510R.
Identifiers: ClinVar variation 1053606 (VCV001053606.8), dbSNP rs1346625604, ClinGen allele CA380849409.

ClinVar aggregate classification (germline): Uncertain significance. Review status: criteria provided, multiple submitters, no conflicts (2 of 4 stars). 2 submissions from 2 submitters: Uncertain significance (2). Last evaluated 2026-09-01.

Conditions:
BEST1-related disorder. Also called: BEST1-related disorders; BEST1-related condition. Identifiers: MedGen CN239200.

Allele frequency attached by ClinVar (database versions not stated): TOPMed 0.00001; gnomAD 0.00002.
gnomAD v4.1: 10 of 1,614,114 alleles (0.00062%); highest among the groups gnomAD compares: Non-Finnish European, 0.00085%; no homozygotes.

Submissions (2):

PreventionGenetics, part of Exact Sciences
Classification: Uncertain significance for BEST1-related condition. Last evaluated: 2026-09-01. Review status: criteria provided, single submitter. Criteria: ACMG Guidelines, 2015. Collection method: clinical testing. Allele origin: germline.
Comment: The BEST1 c.1529A>G variant is predicted to result in the amino acid substitution p.Lys510Arg. To our knowledge, this variant has not been reported in the literature. This variant is reported in 0.0065% of alleles in individuals of European (Non-Finnish) descent in gnomAD. At this time, the clinical significance of this variant is uncertain due to the absence of conclusive functional and genetic evidence.

Labcorp Genetics (formerly Invitae), Labcorp
Classification: Uncertain significance. Last evaluated: 2023-02-27. Review status: criteria provided, single submitter. Criteria: Invitae Variant Classification Sherloc (09022015). Collection method: clinical testing. Allele origin: germline.
Comment: This sequence change replaces lysine, which is basic and polar, with arginine, which is basic and polar, at codon 510 of the BEST1 protein (p.Lys510Arg). In summary, the available evidence is currently insufficient to determine the role of this variant in disease. Therefore, it has been classified as a Variant of Uncertain Significance. Algorithms developed to predict the effect of missense changes on protein structure and function output the following: SIFT: "Not Available"; PolyPhen-2: "Benign"; Align-GVGD: "Not Available". The arginine amino acid residue is found in multiple mammalian species, which suggests that this missense change does not adversely affect protein function. ClinVar contains an entry for this variant (Variation ID: 1053606). This variant has not been reported in the literature in individuals affected with BEST1-related conditions. This variant is present in population databases (no rsID available, gnomAD 0.007%).